The following is an entry in ClinVar:

NM_000454.5(SOD1):c.357+9T>C

Gene: SOD1 (superoxide dismutase 1; plus strand). Cytogenetic location: 21q22.11.
Variant type: single nucleotide variant.
Coding change: c.357+9T>C on transcript NM_000454.5 (MANE Select); 9 bases into the intron after coding-DNA position 357, T replaced by C.
Molecular consequence: intron variant.
Genome position (GRCh38, 1-based): chr21:31,667,384, T>C. VCF-style: chr21-31667384-T-C. GRCh37 (hg19) VCF-style: chr21-33039697-T-C.
Identifiers: ClinVar variation 586633 (VCV000586633.8), dbSNP rs17886692, ClinGen allele CA9998961.

ClinVar aggregate classification (germline): Benign/Likely benign. Review status: criteria provided, multiple submitters, no conflicts (2 of 4 stars). 3 submissions from 3 submitters: Benign (1); Likely benign (1). 1 of the submissions does not count toward it. Last evaluated 2025-11-12.

Conditions:
SOD1-related disorder. Also called: SOD1-related condition.
Amyotrophic lateral sclerosis type 1 (ALS1). Also called: AMYOTROPHIC LATERAL SCLEROSIS 1, FAMILIAL. Identifiers: Orphanet 803, MedGen C1862939, MONDO:0007103, OMIM 105400.

Allele frequency attached by ClinVar (database versions not stated): gnomAD exomes 0.00004 and 0.00010; ExAC 0.00011; ESP Exome Variant Server 0.00031; TOPMed 0.00046; gnomAD 0.00048 and 0.00051; 1000 Genomes Project 0.00060; 1000 Genomes Project 30x 0.00062.
gnomAD v4.1: 123 of 1,574,976 alleles (0.0078%); highest among the groups gnomAD compares: African/African-American, 0.16%; no homozygotes.

Submissions (3):

Labcorp Genetics (formerly Invitae), Labcorp
Classification: Likely benign for Amyotrophic lateral sclerosis type 1. Last evaluated: 2025-11-12. Review status: criteria provided, single submitter. Criteria: Invitae Variant Classification Sherloc (09022015). Collection method: clinical testing. Allele origin: germline.

Athena Diagnostics
Classification: Benign. Last evaluated: 2025-01-03. Review status: criteria provided, single submitter. Criteria: Athena Diagnostics Criteria. Collection method: clinical testing. Allele origin: unknown.
Comment: The frequency of this variant in the general population is higher than would generally be expected for pathogenic variants in this gene.

PreventionGenetics, part of Exact Sciences
Classification: Likely benign for SOD1-related condition. Last evaluated: 2024-02-15. Review status: no assertion criteria provided. Collection method: clinical testing. Allele origin: germline. Not counted in ClinVar's aggregate classification.
Comment: This variant is classified as likely benign based on ACMG/AMP sequence variant interpretation guidelines (Richards et al. 2015 PMID: 25741868, with internal and published modifications).